The following is an entry in ClinVar:

ClinVar aggregate classification (germline): Benign (1 of 4 stars; one submission).

Conditions:
Familial cancer of breast. Also called: BREAST CANCER, FAMILIAL; Hereditary breast cancer; hereditary breast carcinoma. Identifiers: Orphanet 227535, MedGen C0346153, MONDO:0016419, OMIM 114480. Disease mechanism: loss of function.

Submission:

Myriad Genetics, Inc.
Classification: Benign for Familial cancer of breast. Last evaluated: 2024-05-08. Review status: criteria provided, single submitter. Criteria: Myriad Autosomal Dominant, Autosomal Recessive and X-Linked Classification Criteria (2023). Collection method: clinical testing. Allele origin: unknown.
Comment: This variant is considered benign. This variant is a silent/synonymous amino acid change and it is not expected to impact splicing.

NM_000051.4(ATM):c.2298G>A (p.Lys766=)

Gene: ATM (ATM serine/threonine kinase; plus strand). Cytogenetic location: 11q22.3.
Variant type: single nucleotide variant.
Coding change: c.2298G>A on transcript NM_000051.4 (MANE Select); coding-DNA position 2298, G replaced by A.
Protein change: p.Lys766=; no amino-acid change (lysine 766 retained).
Molecular consequence: synonymous variant.
Genome position (GRCh38, 1-based): chr11:108,257,528, G>A. VCF-style: chr11-108257528-G-A. GRCh37 (hg19) VCF-style: chr11-108128255-G-A.
Other names: c.2298G>A, p.Lys766= (NM_001351834.2).
Identifiers: ClinVar variation 3253965 (VCV003253965.1), dbSNP rs2135406640.